The following is an entry in ClinVar:

ClinVar aggregate classification (germline): Uncertain significance (1 of 4 stars; one submission).

Conditions:
Familial intrahepatic cholestasis. Identifiers: Orphanet 284385, MedGen CN296401, MONDO:0017290.

Submission:

Genomenon, Inc
Classification: Uncertain significance for Familial intrahepatic cholestasis. Last evaluated: 2026-04-14. Review status: criteria provided, single submitter. Criteria: Genomenon Sequence Variant Interpretation Standards - Updated. Collection method: curation. Allele origin: germline. Affected: yes.
Comment: ABCB11 p.Glu186Gly (c.557A>G) is a missense variant that changes the amino acid at residue 186 from Glutamic acid to Glycine. This variant has been observed in at least one proband with an ABCB11-related disorder (PMID:16394881;15300568). Functional studies have been reported (PMID:40195555;19101985). It is absent or not present at a significant frequency in gnomAD. In silico models predict that this variant is possibly or probably damaging. In conclusion, we classify ABCB11 p.Glu186Gly (c.557A>G) as a variant of uncertain significance.

Literature cited by the submitters: PubMed 16394881; PubMed 15300568; PubMed 40195555; PubMed 19101985.

NM_003742.4(ABCB11):c.557A>G (p.Glu186Gly)

Gene: ABCB11 (ATP binding cassette subfamily B member 11; minus strand). Cytogenetic location: 2q31.1.
Variant type: single nucleotide variant.
Coding change: c.557A>G on transcript NM_003742.4 (MANE Select); coding-DNA position 557, A replaced by G.
Protein change: p.Glu186Gly; replaces glutamic acid 186 with glycine.
Molecular consequence: missense variant.
Genome position (GRCh38, 1-based): chr2:168,995,403, T>C on the plus strand (A>G on the coding strand, the complement: ABCB11 is on the minus strand). VCF-style: chr2-168995403-T-C. GRCh37 (hg19) VCF-style: chr2-169851913-T-C.
Other names: short protein forms E186G.
Identifiers: ClinVar variation 4845982 (VCV004845982.1).
Genomic context (GRCh38, chr2:168,995,403, plus strand): 5'-ACTTACTCAGAGAATCTTGTATTCAGCTCCCCCACTGAATTGCAGTCAAACCACCCTATT[T>C]CCATTCTCATTATTCTCCTAAAGTAAAATTTTCTCATTTTCTGTATCTGACGAGCTGCGG-3'
Protein context (NP_003733.2, residues 176-196): KFYFRRIMRM[Glu186Gly]IGWFDCNSVG